The following is an entry in ClinVar:

NM_017777.4(MKS1):c.859-2A>C

Gene: MKS1 (MKS transition zone complex subunit 1; minus strand). Cytogenetic location: 17q22.
Variant type: single nucleotide variant.
Coding change: c.859-2A>C on transcript NM_017777.4 (MANE Select); the canonical splice acceptor site of the intron before coding-DNA position 859, A replaced by C.
Molecular consequence: splice acceptor variant.
Genome position (GRCh38, 1-based): chr17:58,212,436, T>G on the plus strand (A>C on the coding strand, the complement: MKS1 is on the minus strand). VCF-style: chr17-58212436-T-G. GRCh37 (hg19) VCF-style: chr17-56289797-T-G.
Other names: c.250-2A>C (NM_001321268.2); c.859-2A>C (NM_001330397.2, NM_001321269.2, NM_001411113.1 and 1 more transcripts).
Identifiers: ClinVar variation 2162174 (VCV002162174.6), dbSNP rs1968931002, ClinGen allele CA400326321.

ClinVar aggregate classification (germline): Likely pathogenic. Review status: criteria provided, multiple submitters, no conflicts (2 of 4 stars). 3 submissions from 3 submitters: Likely pathogenic (3). Last evaluated 2025-02-17.

Conditions:
MKS1-related disorder. Also called: MKS1-related condition; MKS1-related disorders. Identifiers: MedGen CN239382.
Joubert syndrome. Also called: JOUBERT-BOLTSHAUSER SYNDROME; Familial aplasia of the vermis. Identifiers: Orphanet 475, MedGen C5979921, MONDO:0018772.
Meckel-Gruber syndrome. Also called: DYSENCEPHALIA SPLANCHNOCYSTICA; GRUBER SYNDROME; Dysencephalia splachnocystica. Identifiers: Orphanet 564, MedGen C0265215, MONDO:0018921.
Bardet-Biedl syndrome 13 (BBS13). Identifiers: Orphanet 110, MedGen C2673873, MONDO:0014441, OMIM 615990.
Meckel syndrome, type 1 (MKS1). Also called: MECKEL-GRUBER SYNDROME, TYPE 1. Identifiers: Orphanet 564, MedGen C3714506, MONDO:0009571, OMIM 249000.
Joubert syndrome 28 (JBTS28). Identifiers: MedGen C4310705, MONDO:0014928, OMIM 617121.

Allele frequency attached by ClinVar (database versions not stated): TOPMed below 0.00001; gnomAD 0.00001.
gnomAD v4.1: 1 of 1,614,016 alleles (0.000062%); highest among the groups gnomAD compares: African/African-American, 0.0013%; no homozygotes.

Submissions (3):

PreventionGenetics, part of Exact Sciences
Classification: Likely pathogenic for MKS1-related condition. Last evaluated: 2025-02-17. Review status: criteria provided, single submitter. Criteria: ACMG Guidelines, 2015. Collection method: clinical testing. Allele origin: germline.
Comment: The MKS1 c.859-2A>C variant is predicted to disrupt the AG splice acceptor site and interfere with normal splicing. To our knowledge, this variant has not been reported in the literature or in gnomAD, indicating this variant is rare. Variants that disrupt the consensus splice acceptor site in MKS1 are expected to be pathogenic. This variant is interpreted as likely pathogenic.

Fulgent Genetics
Classification: Likely pathogenic for Meckel syndrome, type 1; Bardet-Biedl syndrome 13; Joubert syndrome 28. Last evaluated: 2024-02-21. Review status: criteria provided, single submitter. Criteria: ACMG Guidelines, 2015. Collection method: clinical testing. Allele origin: germline.

Labcorp Genetics (formerly Invitae), Labcorp
Classification: Likely pathogenic for Joubert syndrome; Meckel-Gruber syndrome. Last evaluated: 2022-10-03. Review status: criteria provided, single submitter. Criteria: Invitae Variant Classification Sherloc (09022015). Collection method: clinical testing. Allele origin: germline.
Comment: In summary, the currently available evidence indicates that the variant is pathogenic, but additional data are needed to prove that conclusively. Therefore, this variant has been classified as Likely Pathogenic. Algorithms developed to predict the effect of sequence changes on RNA splicing suggest that this variant may disrupt the consensus splice site. This variant has not been reported in the literature in individuals affected with MKS1-related conditions. This variant is not present in population databases (gnomAD no frequency). This sequence change affects an acceptor splice site in intron 8 of the MKS1 gene. It is expected to disrupt RNA splicing. Variants that disrupt the donor or acceptor splice site typically lead to a loss of protein function (PMID: 16199547), and loss-of-function variants in MKS1 are known to be pathogenic (PMID: 19466712, 24886560, 26490104).

Literature cited by the submitters: PubMed 16199547 (cited by Labcorp Genetics (formerly Invitae), Labcorp); PubMed 19466712 (cited by Labcorp Genetics (formerly Invitae), Labcorp); PubMed 24886560 (cited by Labcorp Genetics (formerly Invitae), Labcorp); PubMed 26490104 (cited by Labcorp Genetics (formerly Invitae), Labcorp).